The following is an entry in ClinVar:

ClinVar aggregate classification (germline): Conflicting classifications of pathogenicity. Review status: criteria provided, conflicting classifications (1 of 4 stars). 3 submissions from 3 submitters: Uncertain significance (2); Likely benign (1). Last evaluated 2026-04-09.

Conditions:
Ehlers-Danlos syndrome, classic type, 1 (EDSCL1). Also called: Ehlers-Danlos Syndrome, Classic Type, COL5A1-Related; EDS I; Ehlers-Danlos syndrome, type 1; EHLERS-DANLOS SYNDROME, GRAVIS TYPE; EHLERS-DANLOS SYNDROME, SEVERE CLASSIC TYPE. Identifiers: MedGen C0268335, MONDO:0019567, OMIM 130000.

Allele frequency attached by ClinVar (database versions not stated): TOPMed 0.00002; gnomAD 0.00001; gnomAD exomes 0.00001; ExAC 0.00001.
gnomAD v4.1: 10 of 1,605,778 alleles (0.00062%); highest among the groups gnomAD compares: South Asian, 0.0066%; no homozygotes.

Submissions (3):

Women's Health and Genetics/Laboratory Corporation of America, LabCorp
Classification: Uncertain significance. Last evaluated: 2026-04-09. Review status: criteria provided, single submitter. Criteria: LabCorp Variant Classification Summary - May 2015. Collection method: clinical testing. Allele origin: germline.
Comment: Variant summary: COL5A2 c.1067G>A (p.Arg356Gln) results in a conservative amino acid change in the encoded protein sequence. Algorithms developed to predict the effect of missense changes on protein structure and function are either unavailable or do not agree on the potential impact of this missense change. The variant allele was found at a frequency of 6.2e-06 in 1605778 control chromosomes. This frequency is not significantly higher than estimated for disease-causing variants in COL5A2, allowing no conclusion about variant significance. To our knowledge, no occurrence of c.1067G>A in individuals affected with COL5A2-related conditions and no experimental evidence demonstrating its impact on protein function have been reported. ClinVar contains an entry for this variant (Variation ID: 529253). Based on the evidence outlined above, the variant was classified as uncertain significance.

Labcorp Genetics (formerly Invitae), Labcorp
Classification: Likely benign for Ehlers-Danlos syndrome, classic type, 1. Last evaluated: 2025-02-24. Review status: criteria provided, single submitter. Criteria: Invitae Variant Classification Sherloc (09022015). Collection method: clinical testing. Allele origin: germline.

GeneDx
Classification: Uncertain significance. Last evaluated: 2023-01-31. Review status: criteria provided, single submitter. Criteria: GeneDx Variant Classification Process June 2021. Collection method: clinical testing. Allele origin: germline. Affected: yes.
Comment: Identified in homozygous state in a patient with a complex congenital heart defect and heterotaxy (Jin et al., 2017); this patient harbored several additional cardiogenetic variants; Not observed at significant frequency in large population cohorts (gnomAD); In silico analysis supports that this missense variant has a deleterious effect on protein structure/function; This variant is associated with the following publications: (PMID: 28991257)

NM_000393.5(COL5A2):c.1067G>A (p.Arg356Gln)

Gene: COL5A2 (collagen type V alpha 2 chain; minus strand). Cytogenetic location: 2q32.2.
Variant type: single nucleotide variant.
Coding change: c.1067G>A on transcript NM_000393.5 (MANE Select); coding-DNA position 1067, G replaced by A.
Protein change: p.Arg356Gln; replaces arginine 356 with glutamine.
Molecular consequence: missense variant.
Genome position (GRCh38, 1-based): chr2:189,075,430, C>T on the plus strand (G>A on the coding strand, the complement: COL5A2 is on the minus strand). VCF-style: chr2-189075430-C-T. GRCh37 (hg19) VCF-style: chr2-189940156-C-T.
Other names: short protein forms R356Q.
Identifiers: ClinVar variation 529253 (VCV000529253.10), dbSNP rs761072017, ClinGen allele CA2022827.